The following is an entry in ClinVar:

ClinVar aggregate classification (germline): Conflicting classifications of pathogenicity. Review status: criteria provided, conflicting classifications (1 of 4 stars). 2 submissions from 2 submitters: Uncertain significance (1); Likely benign (1). Last evaluated 2025-08-24.

Allele frequency attached by ClinVar (database versions not stated): gnomAD 0.00001 and 0.00003; gnomAD exomes 0.00001 and 0.00015; TOPMed 0.00001; ExAC 0.00002.
gnomAD v4.1: 91 of 1,612,548 alleles (0.0056%); highest among the groups gnomAD compares: East Asian, 0.19%; 1 homozygote.

Submissions (2):

Labcorp Genetics (formerly Invitae), Labcorp
Classification: Likely benign. Last evaluated: 2025-08-24. Review status: criteria provided, single submitter. Criteria: Invitae Variant Classification Sherloc (09022015). Collection method: clinical testing. Allele origin: germline.

GeneDx
Classification: Uncertain significance. Last evaluated: 2024-02-29. Review status: criteria provided, single submitter. Criteria: GeneDx Variant Classification Process June 2021. Collection method: clinical testing. Allele origin: germline. Affected: yes.
Comment: Not observed at significant frequency in large population cohorts (gnomAD); In silico analysis supports that this missense variant does not alter protein structure/function; Has not been previously published as pathogenic or benign to our knowledge

NM_080680.3(COL11A2):c.4979G>A (p.Arg1660His)

Gene: COL11A2 (collagen type XI alpha 2 chain; minus strand). Cytogenetic location: 6p21.32.
Variant type: single nucleotide variant.
Coding change: c.4979G>A on transcript NM_080680.3 (MANE Select); coding-DNA position 4979, G replaced by A.
Protein change: p.Arg1660His; replaces arginine 1660 with histidine.
Molecular consequence: missense variant.
Genome position (GRCh38, 1-based): chr6:33,164,358, C>T on the plus strand (G>A on the coding strand, the complement: COL11A2 is on the minus strand). VCF-style: chr6-33164358-C-T. GRCh37 (hg19) VCF-style: chr6-33132135-C-T.
Other names: c.4979G>A (NM_080680.2); c.4658G>A, p.Arg1553His (NM_080679.3); c.4721G>A, p.Arg1574His (NM_080681.3); short protein forms R1553H, R1660H, R1574H.
Identifiers: ClinVar variation 1416490 (VCV001416490.9), dbSNP rs202191908, ClinGen allele CA3749941.